The following is an entry in ClinVar:

ClinVar aggregate classification (germline): Likely benign. Review status: criteria provided, multiple submitters, no conflicts (2 of 4 stars). 2 submissions from 2 submitters: Likely benign (2). Last evaluated 2025-12-19.

Allele frequency attached by ClinVar (database versions not stated): gnomAD exomes below 0.00001; gnomAD 0.00002; TOPMed 0.00007.
gnomAD v4.1: 9 of 1,612,488 alleles (0.00056%); highest among the groups gnomAD compares: Admixed American, 0.005%; no homozygotes.

Submissions (2):

Labcorp Genetics (formerly Invitae), Labcorp
Classification: Likely benign. Last evaluated: 2025-12-19. Review status: criteria provided, single submitter. Criteria: Invitae Variant Classification Sherloc (09022015). Collection method: clinical testing. Allele origin: germline.

Laboratory for Molecular Medicine, Mass General Brigham Personalized Medicine
Classification: Likely benign. Last evaluated: 2016-05-02. Review status: criteria provided, single submitter. Criteria: LMM Criteria. Collection method: clinical testing. Allele origin: germline. Observed: 1 variant allele.
Comment: p.Asp2680Asp in exon 56 of CDH23: This variant is not expected to have clinical significance because it does not alter an amino acid residue and is not located within the splice consensus sequence.

NM_022124.6(CDH23):c.8040C>T (p.Asp2680=)

Genes: CDH23 (cadherin related 23; plus strand), LOC111982869 (Sharpr-MPRA regulatory region 2121; plus strand). Cytogenetic location: 10q22.1.
Variant type: single nucleotide variant.
Coding change: c.8040C>T on transcript NM_022124.6 (MANE Select); coding-DNA position 8040, C replaced by T.
Protein change: p.Asp2680=; no amino-acid change (aspartic acid 2680 retained).
Molecular consequence: synonymous variant.
Genome position (GRCh38, 1-based): chr10:71,805,973, C>T. VCF-style: chr10-71805973-C-T. GRCh37 (hg19) VCF-style: chr10-73565730-C-T.
Other names: c.1320C>T, p.Asp440= (NM_001171933.1, NM_001171934.1).
Identifiers: ClinVar variation 504987 (VCV000504987.12), dbSNP rs1379358750, ClinGen allele CA470282383.